The following is an entry in ClinVar:

NM_002529.4(NTRK1):c.713T>G (p.Val238Gly)

Gene: NTRK1 (neurotrophic receptor tyrosine kinase 1; plus strand). Cytogenetic location: 1q23.1.
Variant type: single nucleotide variant.
Coding change: c.713T>G on transcript NM_002529.4 (MANE Select); coding-DNA position 713, T replaced by G.
Protein change: p.Val238Gly; replaces valine 238 with glycine.
Molecular consequence: missense variant.
Genome position (GRCh38, 1-based): chr1:156,868,643, T>G. VCF-style: chr1-156868643-T-G. GRCh37 (hg19) VCF-style: chr1-156838435-T-G.
Other names: c.623T>G, p.Val208Gly (NM_001007792.1); c.713T>G, p.Val238Gly (NM_001012331.2); short protein forms V238G, V208G.
Identifiers: ClinVar variation 1370485 (VCV001370485.5), dbSNP rs56000394, ClinGen allele CA31110490.

ClinVar aggregate classification (germline): Uncertain significance (1 of 4 stars; one submission).

Conditions:
Hereditary insensitivity to pain with anhidrosis (CIPA). Also called: NTRK1 Congenital Insensitivity to Pain with Anhidrosis; HSAN Type IV; FAMILIAL DYSAUTONOMIA, TYPE II; hereditary sensory and autonomic neuropathy type 4; NEUROPATHY, CONGENITAL SENSORY, WITH ANHIDROSIS; INSENSITIVITY TO PAIN, CONGENITAL, WITH ANHIDROSIS. Identifiers: Orphanet 642, MedGen C0020074, MONDO:0009746, OMIM 256800.

Allele frequency attached by ClinVar (database versions not stated): gnomAD exomes below 0.00001; TOPMed below 0.00001.

Submission:

Labcorp Genetics (formerly Invitae), Labcorp
Classification: Uncertain significance for Hereditary insensitivity to pain with anhidrosis. Last evaluated: 2021-08-24. Review status: criteria provided, single submitter. Criteria: Invitae Variant Classification Sherloc (09022015). Collection method: clinical testing. Allele origin: germline.
Comment: This sequence change replaces valine with glycine at codon 238 of the NTRK1 protein (p.Val238Gly). The valine residue is moderately conserved and there is a moderate physicochemical difference between valine and glycine. This variant is not present in population databases (ExAC no frequency). This variant has not been reported in the literature in individuals affected with NTRK1-related conditions. Advanced modeling of protein sequence and biophysical properties (such as structural, functional, and spatial information, amino acid conservation, physicochemical variation, residue mobility, and thermodynamic stability) performed at Invitae indicates that this missense variant is not expected to disrupt NTRK1 protein function. In summary, the available evidence is currently insufficient to determine the role of this variant in disease. Therefore, it has been classified as a Variant of Uncertain Significance.